The following is an entry in ClinVar:

ClinVar aggregate classification (germline): Likely pathogenic. Review status: criteria provided, multiple submitters, no conflicts (2 of 4 stars). 2 submissions from 2 submitters: Likely pathogenic (2). Last evaluated 2026-06-02.

Conditions:
Cardiovascular phenotype. Identifiers: MedGen CN230736.
Dilated cardiomyopathy 1G (CMD1G). Identifiers: Orphanet 154, MedGen C1858763, MONDO:0011400, OMIM 604145.
Autosomal recessive limb-girdle muscular dystrophy type 2J (LGMDR10). Also called: Limb-girdle muscular dystrophy, type 2J; MUSCULAR DYSTROPHY, LIMB-GIRDLE, AUTOSOMAL RECESSIVE 10. Identifiers: Orphanet 140922, MedGen C1837342, MONDO:0012127, OMIM 608807.

Submissions (2):

Ambry Genetics
Classification: Likely pathogenic for Cardiovascular phenotype. Last evaluated: 2026-06-02. Review status: criteria provided, single submitter. Criteria: Ambry Variant Classification Scheme 2023. Collection method: clinical testing. Allele origin: germline.
Comment: The c.28560dupA variant, located in coding exon 115 of the TTN gene, results from a duplication of A at nucleotide position 28560, causing a translational frameshift with a predicted alternate stop codon (p.L9521Tfs*21). This exon is located in the A-band region of the N2-B isoform of the titin protein and is constitutively expressed in TTN transcripts (percent spliced in or PSI 100%). This variant is considered to be rare based on population cohorts in the Genome Aggregation Database (gnomAD). This variant is expected to result in loss of function by premature protein truncation or nonsense-mediated mRNA decay. While truncating variants in TTN are present in 1-3% of the general population, truncating variants in the A-band are the most common cause of dilated cardiomyopathy (Herman DS et al. N. Engl. J. Med., 2012 Feb;366:619-28; Roberts AM et al. Sci Transl Med, 2015 Jan;7:270ra6). TTN truncating variants encoded in constitutive exons (PSI >90%) have been found to be significantly associated with DCM regardless of their position in titin (Schafer S et al. Nat. Genet., 2017 01;49:46-53; Akhtar MM et al. Circ Heart Fail, 2020 Oct;13:e006832; Massier M et al. Clin Genet, 2025 Jan). Based on the majority of available evidence to date, this variant is likely to be pathogenic.

Labcorp Genetics (formerly Invitae), Labcorp
Classification: Likely pathogenic for Dilated cardiomyopathy 1G; Autosomal recessive limb-girdle muscular dystrophy type 2J. Last evaluated: 2020-11-24. Review status: criteria provided, single submitter. Criteria: Invitae Variant Classification Sherloc (09022015). Collection method: clinical testing. Allele origin: germline.
Comment: This sequence change creates a premature translational stop signal (p.Leu18586Thrfs*21) in the TTN gene. While this is not anticipated to result in nonsense mediated decay, it is expected to create a truncated TTN protein. This variant is not present in population databases (ExAC no frequency). This variant has not been reported in the literature in individuals with TTN-related conditions. This variant is located in the A band of TTN (PMID: 25589632). Truncating variants in this region are significantly overrepresented in patients affected with dilated cardiomyopathy (PMID: 25589632). Truncating variants in this region have also been reported in individuals affected with autosomal recessive centronuclear myopathy (PMID: 23975875). In summary, the currently available evidence indicates that the variant is pathogenic, but additional data are needed to prove that conclusively. Therefore, this variant has been classified as Likely Pathogenic.

Literature cited by the submitters: PubMed 25589632 (cited by Labcorp Genetics (formerly Invitae), Labcorp); PubMed 23975875 (cited by Labcorp Genetics (formerly Invitae), Labcorp).

NM_001267550.2(TTN):c.55755dup (p.Leu18586fs)

Genes: TTN (titin; minus strand), TTN-AS1 (TTN antisense RNA 1; plus strand). Cytogenetic location: 2q31.2.
Variant type: Duplication.
Coding change: c.55755dup on transcript NM_001267550.2 (MANE Select); coding-DNA position 55755, one base duplicated (A; older notation c.55755dupA).
Protein change: p.Leu18586fs; shifts the reading frame from leucine 18586.
Molecular consequence: frameshift variant.
Genome position (GRCh38, 1-based): chr2:178,601,149, T duplicated on the plus strand (A on the coding strand, the reverse complement: TTN is on the minus strand); the first of 3 consecutive T bases (chr2:178,601,149-178,601,151); duplicating any one gives the same sequence. VCF-style (leftmost placement, unchanged base first): chr2-178601148-G-GT. GRCh37 (hg19) VCF-style: chr2-179465875-G-GT.
Other names: c.50832dup, p.Leu16945fs (NM_001256850.1); c.28560dup, p.Leu9521fs (NM_003319.4); c.48051dup, p.Leu16018fs (NM_133378.4); c.28935dup, p.Leu9646fs (NM_133432.3); c.29136dup, p.Leu9713fs (NM_133437.4); c.28560dupA (NM_003319.4); short protein forms L18586fs, L16945fs, L9521fs, L9713fs, L16018fs, L9646fs.
Identifiers: ClinVar variation 1517760 (VCV001517760.9), dbSNP rs2154192678, ClinGen allele CA2573133806.
Genomic context (GRCh38, chr2:178,601,148, plus strand): 5'-CATTCTTCGGGGGTTTCCATGACAGATGCACTGTGTTCTTTGTGATGAGGCCAATCTTGA[G>GT]TTTAATAGGAGGATCAGGAGGATCTGTAAAAATAATTAAAGGAAGTATTAAGCGTTGTTT-3'